The following is an entry in ClinVar:

NM_002474.3(MYH11):c.4000G>A (p.Val1334Met)

Genes: NDE1 (nudE neurodevelopment protein 1; plus strand), MYH11 (myosin heavy chain 11; minus strand). Cytogenetic location: 16p13.11.
Variant type: single nucleotide variant.
Coding change: c.4000G>A on transcript NM_002474.3 (MANE Select); coding-DNA position 4000, G replaced by A.
Protein change: p.Val1334Met; replaces valine 1334 with methionine.
Molecular consequence: missense variant. On other transcripts: 3 prime UTR variant (2).
Genome position (GRCh38, 1-based): chr16:15,724,763, C>T on the plus strand (G>A on the coding strand, the complement: MYH11 is on the minus strand). VCF-style: chr16-15724763-C-T. GRCh37 (hg19) VCF-style: chr16-15818620-C-T.
Other names: c.4021G>A, p.Val1341Met (NM_001040113.2, NM_001040114.2); c.4000G>A, p.Val1334Met (NM_022844.3); c.*512C>T (NM_001143979.2, NM_017668.3); short protein forms V1341M, V1334M.
Identifiers: ClinVar variation 920566 (VCV000920566.8), dbSNP rs139377348, ClinGen allele CA7921811.
Genomic context (GRCh38, chr16:15,724,763, plus strand): 5'-CGTCCAGCTGGTCTTGCAGGCTGTTCCGCTCCTCCTCCAGCTGGCGCAGCTTCGTAGACA[C>T]GTTGAGCTTCTGCCGGGTTTCTTCTTGAAGCAGCTCCTGCAAAAGGGATGCAAAGAGGTC-3'
Protein context (NP_002465.1, residues 1324-1344): LQEETRQKLN[Val1334Met]STKLRQLEEE

ClinVar aggregate classification (germline): Uncertain significance. Review status: criteria provided, multiple submitters, no conflicts (2 of 4 stars). 3 submissions from 3 submitters: Uncertain significance (3). Last evaluated 2024-08-06.

Conditions:
Familial thoracic aortic aneurysm and aortic dissection (TAAD). Also called: Thoracic aortic aneurysms and dissections. Identifiers: Orphanet 91387, MedGen C4707243, MONDO:0019625.

gnomAD v4.1: 4 of 1,614,124 alleles (0.00025%); highest among the groups gnomAD compares: Non-Finnish European, 0.00034%; no homozygotes.

Submissions (3):

All of Us Research Program, National Institutes of Health
Classification: Uncertain significance for Familial thoracic aortic aneurysm and aortic dissection. Last evaluated: 2024-08-06. Review status: criteria provided, single submitter. Criteria: ACMG Guidelines, 2015. Collection method: clinical testing. Allele origin: germline. Inheritance: Autosomal dominant inheritance. Observed: 2 variant alleles, 2 heterozygotes.
Comment: Variant of Uncertain Significance due to insufficient evidence: This missense variant is located in the coiled coil myosin tail domain of the MYH11 protein. Computational prediction tools and conservation analyses are inconclusive regarding the impact of this variant on the protein function. Computational splicing tools suggest that this variant may not impact RNA splicing. To our knowledge, functional assays have not been performed for this variant nor has this variant been reported in individuals affected with cardiovascular disorders in the literature. This variant has been identified in 1/245950 chromosomes in the general population by the Genome Aggregation Database (gnomAD). Available evidence is insufficient to determine the pathogenicity of this variant conclusively.

This study involves interpretation of variants in research participants for the purpose of population health screening. Participant phenotype was not available at the time of variant classification. Additional details can be found in publication PMID: 35346344, PMCID: PMC8962531

Color Diagnostics, LLC DBA Color Health
Classification: Uncertain significance for Familial thoracic aortic aneurysm and aortic dissection. Last evaluated: 2023-12-04. Review status: criteria provided, single submitter. Criteria: ACMG Guidelines, 2015. Collection method: clinical testing. Allele origin: germline.
Comment: Variant of Uncertain Significance due to insufficient evidence: This missense variant is located in the coiled coil myosin tail domain of the MYH11 protein. Computational prediction tools and conservation analyses are inconclusive regarding the impact of this variant on the protein function. Computational splicing tools suggest that this variant may not impact RNA splicing. To our knowledge, functional assays have not been performed for this variant nor has this variant been reported in individuals affected with cardiovascular disorders in the literature. This variant has been identified in 1/245950 chromosomes in the general population by the Genome Aggregation Database (gnomAD). Available evidence is insufficient to determine the pathogenicity of this variant conclusively.

Phosphorus, Inc.
Classification: Uncertain significance. Last evaluated: 2022-01-18. Review status: criteria provided, single submitter. Criteria: ACMG Guidelines, 2015. Collection method: clinical testing. Allele origin: germline. Inheritance: Autosomal dominant inheritance.
Comment: This missense variant results in an amino acid substitution of valine with methionine at codon 1341 of the MYH11 gene. The variant has an entry in ClinVar (920566) NM_002474.3 (MYH11): c.4000G>A (p.Val1334Met) and has occurred in GnomAD with a total MAF of 0.0004%. This position is conserved. In silico functional algorithms disagreed, with PolyPhen calling it benign, and SIFT deleterious, but no functional studies were performed to confirm these predictions. The variant has not occurred in literature associated with disease. Considering that this is a rare variant, whose impact on the protein and association with disease are unknown, it has been classified as a Variant of Uncertain Significance.